The following is an entry in ClinVar:

ClinVar aggregate classification (germline): Uncertain significance (1 of 4 stars; one submission).

Conditions:
Hereditary cancer-predisposing syndrome. Also called: Hereditary Cancer Syndrome; Tumor predisposition; Hereditary neoplastic syndrome; Neoplastic Syndromes, Hereditary. Identifiers: Orphanet 140162, MedGen C0027672, MeSH D009386, MONDO:0015356.

Submission:

Ambry Genetics
Classification: Uncertain significance for Hereditary cancer-predisposing syndrome. Last evaluated: 2024-05-31. Review status: criteria provided, single submitter. Criteria: Ambry Variant Classification Scheme 2023. Collection method: clinical testing. Allele origin: germline.
Comment: The p.L136P variant (also known as c.407T>C), located in coding exon 2 of the BLM gene, results from a T to C substitution at nucleotide position 407. The leucine at codon 136 is replaced by proline, an amino acid with similar properties. This amino acid position is conserved. In addition, this alteration is predicted to be tolerated by in silico analysis. Based on the available evidence, the clinical significance of this variant remains unclear.

NM_000057.4(BLM):c.407T>C (p.Leu136Pro)

Gene: BLM (BLM RecQ like helicase; plus strand). Cytogenetic location: 15q26.1.
Variant type: single nucleotide variant.
Coding change: c.407T>C on transcript NM_000057.4 (MANE Select); coding-DNA position 407, T replaced by C.
Protein change: p.Leu136Pro; replaces leucine 136 with proline.
Molecular consequence: missense variant. On other transcripts: 5 prime UTR variant (1).
Genome position (GRCh38, 1-based): chr15:90,749,675, T>C. VCF-style: chr15-90749675-T-C. GRCh37 (hg19) VCF-style: chr15-91292905-T-C.
Other names: c.407T>C, p.Leu136Pro (NM_001287246.2, NM_001287247.2); c.-885T>C (NM_001287248.2); short protein forms L136P.
Identifiers: ClinVar variation 3261048 (VCV003261048.1).
Genomic context (GRCh38, chr15:90,749,675, plus strand): 5'-AGGAAGTTGTATGCACTACCCAAAACACACCAACTGTAAAGAAATCCCGGGATACTGCTC[T>C]CAAGAAATTAGAATTTAGTTCTTCACCAGATTCTTTAAGTACCATCAATGATTGGGATGA-3'
Protein context (NP_000048.1, residues 126-146): PTVKKSRDTA[Leu136Pro]KKLEFSSSPD